The following is an entry in ClinVar:

NM_001378778.1(MPDZ):c.3322G>C (p.Val1108Leu)

Gene: MPDZ (multiple PDZ domain crumbs cell polarity complex component; minus strand). Cytogenetic location: 9p23.
Variant type: single nucleotide variant.
Coding change: c.3322G>C on transcript NM_001378778.1 (MANE Select); coding-DNA position 3322, G replaced by C.
Protein change: p.Val1108Leu; replaces valine 1108 with leucine.
Molecular consequence: missense variant. On other transcripts: intron variant (1).
Genome position (GRCh38, 1-based): chr9:13,162,728, C>G on the plus strand (G>C on the coding strand, the complement: MPDZ is on the minus strand). VCF-style: chr9-13162728-C-G. GRCh37 (hg19) VCF-style: chr9-13162727-C-G.
Other names: c.3322G>C, p.Val1108Leu (NM_001261406.2, NM_001261407.2, NM_001330637.2 and 13 more transcripts); c.3254+5638G>C (NM_001375427.1); short protein forms V1108L.
Identifiers: ClinVar variation 1974364 (VCV001974364.5), dbSNP rs1950621675, ClinGen allele CA372952128.

ClinVar aggregate classification (germline): Uncertain significance (1 of 4 stars; one submission).

Submission:

Labcorp Genetics (formerly Invitae), Labcorp
Classification: Uncertain significance. Last evaluated: 2022-07-18. Review status: criteria provided, single submitter. Criteria: Invitae Variant Classification Sherloc (09022015). Collection method: clinical testing. Allele origin: germline.
Comment: This variant has not been reported in the literature in individuals affected with MPDZ-related conditions. Algorithms developed to predict the effect of missense changes on protein structure and function output the following: SIFT: "Tolerated"; PolyPhen-2: "Benign"; Align-GVGD: "Class C0". The leucine amino acid residue is found in multiple mammalian species, which suggests that this missense change does not adversely affect protein function. In summary, the available evidence is currently insufficient to determine the role of this variant in disease. Therefore, it has been classified as a Variant of Uncertain Significance. This variant is not present in population databases (gnomAD no frequency). This sequence change replaces valine, which is neutral and non-polar, with leucine, which is neutral and non-polar, at codon 1108 of the MPDZ protein (p.Val1108Leu).